The following is an entry in ClinVar:

ClinVar aggregate classification (germline): Likely benign (1 of 4 stars; one submission).

Submission:

CeGaT Center for Human Genetics Tuebingen
Classification: Likely benign. Last evaluated: 2026-07-01. Review status: criteria provided, single submitter. Criteria: CeGaT Center For Human Genetics Tuebingen Variant Classification Criteria Version 2. Collection method: clinical testing. Allele origin: germline. Affected: yes. Observed: 4 variant alleles.
Comment: MAGEL2: BP4, BP7

NM_019066.5(MAGEL2):c.540G>T (p.Val180=)

Gene: MAGEL2 (MAGE family member L2; minus strand). Cytogenetic location: 15q11.2.
Variant type: single nucleotide variant.
Coding change: c.540G>T on transcript NM_019066.5 (MANE Select); coding-DNA position 540, G replaced by T.
Protein change: p.Val180=; no amino-acid change (valine 180 retained).
Molecular consequence: synonymous variant.
Genome position (GRCh38, 1-based): chr15:23,647,203, C>A on the plus strand (G>T on the coding strand, the complement: MAGEL2 is on the minus strand). VCF-style: chr15-23647203-C-A. GRCh37 (hg19) VCF-style: chr15-23892350-C-A.
Identifiers: ClinVar variation 2644999 (VCV002644999.24), dbSNP rs867689406, ClinGen allele CA711341483.
Genomic context (GRCh38, chr15:23,647,203, plus strand): 5'-AGCCATCGGTGTCCCCGGAGGGGGAGGATGAGCCATCGGGGTCCCCGGAGGAGGAGGATG[C>A]ACCATCGGGGTCCCCGGAGGAGGAGGATGGGCCATCGGGGTCCCCGGAGGAGGAGGATGG-3'
Protein context (NP_061939.3, residues 170-190): AHPPPPGTPM[Val180=]HPPPPGTPMA